The following is an entry in ClinVar:

ClinVar aggregate classification (germline): Uncertain significance (1 of 4 stars; one submission).

Conditions:
Fanconi anemia (FA). Also called: Fanconi's anemia. Identifiers: Orphanet 84, MedGen C0015625, MeSH D005199, MONDO:0019391.

gnomAD v4.1: 6 of 1,614,066 alleles (0.00037%); highest among the groups gnomAD compares: Non-Finnish European, 0.00017%; no homozygotes.

Submission:

Labcorp Genetics (formerly Invitae), Labcorp
Classification: Uncertain significance for Fanconi anemia. Last evaluated: 2025-10-22. Review status: criteria provided, single submitter. Criteria: Invitae Variant Classification Sherloc (09022015). Collection method: clinical testing. Allele origin: germline.
Comment: This sequence change replaces proline, which is neutral and non-polar, with leucine, which is neutral and non-polar, at codon 331 of the FANCG protein (p.Pro331Leu). This variant is present in population databases (no rsID available, gnomAD 0.007%). This variant has not been reported in the literature in individuals affected with FANCG-related conditions. Invitae Evidence Modeling of protein sequence and biophysical properties (such as structural, functional, and spatial information, amino acid conservation, physicochemical variation, residue mobility, and thermodynamic stability) indicates that this missense variant is not expected to disrupt FANCG protein function with a negative predictive value of 80%. In summary, the available evidence is currently insufficient to determine the role of this variant in disease. Therefore, it has been classified as a Variant of Uncertain Significance.

NM_004629.2(FANCG):c.992C>T (p.Pro331Leu)

Gene: FANCG (FA complementation group G; minus strand). Cytogenetic location: 9p13.3.
Variant type: single nucleotide variant.
Coding change: c.992C>T on transcript NM_004629.2 (MANE Select); coding-DNA position 992, C replaced by T.
Protein change: p.Pro331Leu; replaces proline 331 with leucine.
Molecular consequence: missense variant.
Genome position (GRCh38, 1-based): chr9:35,076,516, G>A on the plus strand (C>T on the coding strand, the complement: FANCG is on the minus strand). VCF-style: chr9-35076516-G-A. GRCh37 (hg19) VCF-style: chr9-35076513-G-A.
Other names: short protein forms P331L.
Identifiers: ClinVar variation 4809225 (VCV004809225.1).
Genomic context (GRCh38, chr9:35,076,516, plus strand): 5'-GCTAGTATGTGCTTGGTCTGGCTCTGAGTGCCACAATGAAGGGGTGAGGCTAGGTCAGGT[G>A]GTGGCAGTAGTAATTCTACCTCAATGAGAAACTGCGGGGCTTTGGAACTGCATGGGACAT-3'
Protein context (NP_004620.1, residues 321-341): FLIEVELLLP[Pro331Leu]PDLASPLHCG